The following is an entry in ClinVar:

NM_001256545.2(MEGF10):c.1841T>A (p.Ile614Asn)

Gene: MEGF10 (multiple EGF like domains 10; plus strand). Cytogenetic location: 5q23.2.
Variant type: single nucleotide variant.
Coding change: c.1841T>A on transcript NM_001256545.2 (MANE Select); coding-DNA position 1841, T replaced by A.
Protein change: p.Ile614Asn; replaces isoleucine 614 with asparagine.
Molecular consequence: missense variant.
Genome position (GRCh38, 1-based): chr5:127,434,687, T>A. VCF-style: chr5-127434687-T-A. GRCh37 (hg19) VCF-style: chr5-126770379-T-A.
Other names: c.1841T>A, p.Ile614Asn (NM_032446.3); short protein forms I614N.
Identifiers: ClinVar variation 2421631 (VCV002421631.10), dbSNP rs1485623246, ClinGen allele CA360732155.

ClinVar aggregate classification (germline): Uncertain significance (1 of 4 stars; one submission).

Conditions:
MEGF10-related myopathy (CMYO10A). Also called: Congenital myopathy 10A, severe variant. Identifiers: Orphanet 439212, MedGen C3280679, MONDO:0013731, OMIM 614399.

Allele frequency attached by ClinVar (database versions not stated): gnomAD exomes below 0.00001.
gnomAD v4.1: 3 of 1,608,766 alleles (0.00019%); highest among the groups gnomAD compares: Middle Eastern, 0.033%; no homozygotes.

Submission:

Labcorp Genetics (formerly Invitae), Labcorp
Classification: Uncertain significance for MEGF10-related myopathy. Last evaluated: 2022-11-29. Review status: criteria provided, single submitter. Criteria: Invitae Variant Classification Sherloc (09022015). Collection method: clinical testing. Allele origin: germline.
Comment: This variant is present in population databases (no rsID available, gnomAD 0.003%). This sequence change replaces isoleucine, which is neutral and non-polar, with asparagine, which is neutral and polar, at codon 614 of the MEGF10 protein (p.Ile614Asn). This variant has not been reported in the literature in individuals affected with MEGF10-related conditions. Algorithms developed to predict the effect of missense changes on protein structure and function (SIFT, PolyPhen-2, Align-GVGD) all suggest that this variant is likely to be disruptive. In summary, the available evidence is currently insufficient to determine the role of this variant in disease. Therefore, it has been classified as a Variant of Uncertain Significance.